The following is an entry in ClinVar:

ClinVar aggregate classification (germline): Likely benign (1 of 4 stars; one submission).

Submission:

CeGaT Center for Human Genetics Tuebingen
Classification: Likely benign. Last evaluated: 2024-06-01. Review status: criteria provided, single submitter. Criteria: CeGaT Center For Human Genetics Tuebingen Variant Classification Criteria Version 2. Collection method: clinical testing. Allele origin: germline. Affected: yes. Observed: 1 variant allele.
Comment: HIVEP1: PM2:Supporting, BP4, BP7

NM_002114.4(HIVEP1):c.6777C>G (p.Val2259=)

Gene: HIVEP1 (HIVEP zinc finger 1; plus strand). Cytogenetic location: 6p24.1.
Variant type: single nucleotide variant.
Coding change: c.6777C>G on transcript NM_002114.4 (MANE Select); coding-DNA position 6777, C replaced by G.
Protein change: p.Val2259=; no amino-acid change (valine 2259 retained).
Molecular consequence: synonymous variant.
Genome position (GRCh38, 1-based): chr6:12,161,728, C>G. VCF-style: chr6-12161728-C-G. GRCh37 (hg19) VCF-style: chr6-12161961-C-G.
Identifiers: ClinVar variation 3250745 (VCV003250745.18), dbSNP rs2481407902.
Genomic context (GRCh38, chr6:12,161,728, plus strand): 5'-TGGGGTACACACGGACCCAATGGACGTTCTGCCCAGGGCGCTGCTCACCAGAATGACTGT[C>G]CTGAGCACAGCACAGTCTGACTACAATAGGAAGACACTCTCTCCGGGGAAGGCCAGGCAG-3'
Protein context (NP_002105.3, residues 2249-2269): LPRALLTRMT[Val2259=]LSTAQSDYNR